The following is an entry in ClinVar:

NM_007118.4(TRIO):c.630C>G (p.His210Gln)

Gene: TRIO (trio Rho guanine nucleotide exchange factor; plus strand). Cytogenetic location: 5p15.2.
Variant type: single nucleotide variant.
Coding change: c.630C>G on transcript NM_007118.4 (MANE Select); coding-DNA position 630, C replaced by G.
Protein change: p.His210Gln; replaces histidine 210 with glutamine.
Molecular consequence: missense variant. On other transcripts: non-coding transcript variant (1).
Genome position (GRCh38, 1-based): chr5:14,290,805, C>G. VCF-style: chr5-14290805-C-G. GRCh37 (hg19) VCF-style: chr5-14290914-C-G.
Other names: short protein forms H210Q.
Identifiers: ClinVar variation 2442583 (VCV002442583.4), dbSNP rs767420232, ClinGen allele CA359206642.

ClinVar aggregate classification (germline): Uncertain significance (1 of 4 stars; one submission).

Submission:

GeneDx
Classification: Uncertain significance. Last evaluated: 2024-03-02. Review status: criteria provided, single submitter. Criteria: GeneDx Variant Classification Process June 2021. Collection method: clinical testing. Allele origin: germline. Affected: yes.
Comment: Not observed at significant frequency in large population cohorts (gnomAD); In silico analysis supports that this missense variant has a deleterious effect on protein structure/function; Has not been previously published as pathogenic or benign to our knowledge